The following is an entry in ClinVar:

NM_000540.3(RYR1):c.10189G>C (p.Glu3397Gln)

Gene: RYR1 (ryanodine receptor 1; plus strand). Cytogenetic location: 19q13.2.
Variant type: single nucleotide variant.
Coding change: c.10189G>C on transcript NM_000540.3 (MANE Select); coding-DNA position 10189, G replaced by C.
Protein change: p.Glu3397Gln; replaces glutamic acid 3397 with glutamine.
Molecular consequence: missense variant.
Genome position (GRCh38, 1-based): chr19:38,519,384, G>C. VCF-style: chr19-38519384-G-C. GRCh37 (hg19) VCF-style: chr19-39010024-G-C.
Other names: c.10189G>C, p.Glu3397Gln (NM_001042723.2); short protein forms E3397Q.
Identifiers: ClinVar variation 2200053 (VCV002200053.4), dbSNP rs201339536, ClinGen allele CA405696290.

ClinVar aggregate classification (germline): Uncertain significance (1 of 4 stars; one submission).

Conditions:
RYR1-related disorder. Also called: RYR1-related condition; RYR1-related disorders. Identifiers: MedGen CN239331.

Submission:

Labcorp Genetics (formerly Invitae), Labcorp
Classification: Uncertain significance for RYR1-related disorder. Last evaluated: 2022-10-14. Review status: criteria provided, single submitter. Criteria: Invitae Variant Classification Sherloc (09022015). Collection method: clinical testing. Allele origin: germline.
Comment: This sequence change replaces glutamic acid, which is acidic and polar, with glutamine, which is neutral and polar, at codon 3397 of the RYR1 protein (p.Glu3397Gln). This variant is not present in population databases (gnomAD no frequency). In summary, the available evidence is currently insufficient to determine the role of this variant in disease. Therefore, it has been classified as a Variant of Uncertain Significance. Advanced modeling of protein sequence and biophysical properties (such as structural, functional, and spatial information, amino acid conservation, physicochemical variation, residue mobility, and thermodynamic stability) has been performed at Invitae for this missense variant, however the output from this modeling did not meet the statistical confidence thresholds required to predict the impact of this variant on RYR1 protein function. This variant has not been reported in the literature in individuals affected with RYR1-related conditions.